The following is an entry in ClinVar:

NM_020822.3(KCNT1):c.2677G>A (p.Glu893Lys)

Gene: KCNT1 (potassium sodium-activated channel subfamily T member 1; plus strand). Cytogenetic location: 9q34.3.
Variant type: single nucleotide variant.
Coding change: c.2677G>A on transcript NM_020822.3 (MANE Select); coding-DNA position 2677, G replaced by A.
Protein change: p.Glu893Lys; replaces glutamic acid 893 with lysine.
Molecular consequence: missense variant.
Genome position (GRCh38, 1-based): chr9:135,778,770, G>A. VCF-style: chr9-135778770-G-A. GRCh37 (hg19) VCF-style: chr9-138670616-G-A.
Other names: c.2542G>A, p.Glu848Lys (NM_001272003.2); short protein forms E893K, E848K.
Identifiers: ClinVar variation 432146 (VCV000432146.3), dbSNP rs1554778082, ClinGen allele CA375514619.

ClinVar aggregate classification (germline): Likely pathogenic. Review status: criteria provided, multiple submitters, no conflicts (2 of 4 stars). 2 submissions from 2 submitters: Likely pathogenic (2). Last evaluated 2024-03-14.

Conditions:
Developmental and epileptic encephalopathy, 14 (DEE14). Also called: Early infantile epileptic encephalopathy 14. Identifiers: Orphanet 293181, MedGen C3554195, MONDO:0013989, OMIM 614959.

Submissions (2):

Genomic Medicine Center of Excellence, King Faisal Specialist Hospital and Research Centre
Classification: Likely pathogenic for Developmental and epileptic encephalopathy 14. Last evaluated: 2024-03-14. Review status: criteria provided, single submitter. Criteria: ACMG Guidelines, 2015. Collection method: clinical testing. Allele origin: germline.

GeneDx
Classification: Likely pathogenic. Last evaluated: 2017-04-10. Review status: criteria provided, single submitter. Criteria: GeneDx Variant Classification (06012015). Collection method: clinical testing. Allele origin: germline. Affected: yes.
Comment: The E893K variant in the KCNT1 gene has not been reported previously as a pathogenic variant, nor as a benign variant, to our knowledge. The E893K variant is not observed in large population cohorts (Lek et al., 2016; 1000 Genomes Consortium et al., 2015; Exome Variant Server). The E893K variant is a non-conservative amino acid substitution, which is likely to impact secondary protein structure as these residues differ in polarity, charge, size and/or other properties. This substitution occurs at a position that is conserved across species and in silico analysis predicts this variant is probably damaging to the protein structure/function. We interpret E893K as a likely pathogenic variant, which may be related to the reported epileptic encephalopathy in this individual.